The following is an entry in ClinVar:

ClinVar aggregate classification (germline): Likely benign (0 of 4 stars; one submission).

Conditions:
IL34-related disorder. Also called: IL34-related condition.

Allele frequency attached by ClinVar (database versions not stated): ExAC 0.00039; 1000 Genomes Project 30x 0.00094; 1000 Genomes Project 0.00100; ESP Exome Variant Server 0.00108; gnomAD 0.00112; TOPMed 0.00117.
gnomAD v4.1: 375 of 1,606,494 alleles (0.023%); highest among the groups gnomAD compares: African/African-American, 0.37%; no homozygotes.

Submission:

PreventionGenetics, part of Exact Sciences
Classification: Likely benign for IL34-related condition. Last evaluated: 2022-02-09. Review status: no assertion criteria provided. Collection method: clinical testing. Allele origin: germline.
Comment: This variant is classified as likely benign based on ACMG/AMP sequence variant interpretation guidelines (Richards et al. 2015 PMID: 25741868, with internal and published modifications).

NM_001393494.1(IL34):c.695C>T (p.Pro232Leu)

Gene: IL34 (interleukin 34; plus strand). Cytogenetic location: 16q22.1.
Variant type: single nucleotide variant.
Coding change: c.695C>T on transcript NM_001393494.1 (MANE Select); coding-DNA position 695, C replaced by T.
Protein change: p.Pro232Leu; replaces proline 232 with leucine.
Molecular consequence: missense variant.
Genome position (GRCh38, 1-based): chr16:70,660,153, C>T. VCF-style: chr16-70660153-C-T. GRCh37 (hg19) VCF-style: chr16-70694056-C-T.
Other names: c.692C>T, p.Pro231Leu (NM_001172771.2, NM_001393495.1, NM_001393496.1); c.695C>T, p.Pro232Leu (NM_001172772.2, NM_001393493.1, NM_152456.3); c.620C>T, p.Pro207Leu (NM_001393497.1); c.617C>T, p.Pro206Leu (NM_001393498.1); short protein forms P206L, P207L, P231L, P232L.
Identifiers: ClinVar variation 3037865 (VCV003037865.2), dbSNP rs141513638, ClinGen allele CA8146237.